The following is an entry in ClinVar:

ClinVar aggregate classification (germline): Uncertain significance. Review status: criteria provided, multiple submitters, no conflicts (2 of 4 stars). 2 submissions from 2 submitters: Uncertain significance (2). Last evaluated 2022-08-13.

Conditions:
Epidermolysis bullosa simplex with nail dystrophy (EBS5D). Identifiers: MedGen C4225309, MONDO:0014661, OMIM 616487.
Epidermolysis bullosa simplex 5B, with muscular dystrophy (EBS5B). Also called: EPIDERMOLYSIS BULLOSA SIMPLEX AND LIMB-GIRDLE MUSCULAR DYSTROPHY; Epidermolysis bullosa simplex with muscular dystrophy. Identifiers: Orphanet 257, MedGen C2931072, MONDO:0009181, OMIM 226670.
Epidermolysis bullosa simplex, Ogna type (EBS5A). Also called: Pidermolysis bullosa simplex 5A, Ogna type; EPIDERMOLYSIS BULLOSA SIMPLEX 5A, OGNA TYPE. Identifiers: Orphanet 79401, MedGen C0432317, MONDO:0007555, OMIM 131950.
Epidermolysis bullosa simplex 5C, with pyloric atresia (EBS5C). Also called: Epidermolysis bullosa simplex with pyloric atresia; PLEC-Related Epidermolysis Bullosa with Pyloric Atresia; PLEC1-Related Epidermolysis Bullosa with Pyloric Atresia. Identifiers: Orphanet 158684, MedGen C2677349, MONDO:0012807, OMIM 612138.
Autosomal recessive limb-girdle muscular dystrophy type 2Q (LGMDR17). Also called: MUSCULAR DYSTROPHY, LIMB-GIRDLE, AUTOSOMAL RECESSIVE 17. Identifiers: Orphanet 254361, MedGen C3150989, MONDO:0013390, OMIM 613723.

Allele frequency attached by ClinVar (database versions not stated): gnomAD exomes below 0.00001 and 0.00001; gnomAD 0.00001; TOPMed 0.00001.
gnomAD v4.1: 8 of 1,613,232 alleles (0.0005%); highest among the groups gnomAD compares: South Asian, 0.0066%; no homozygotes.

Submissions (2):

Laboratorio de Genetica e Diagnostico Molecular, Hospital Israelita Albert Einstein
Classification: Uncertain significance for Epidermolysis bullosa simplex with nail dystrophy. Last evaluated: 2022-08-13. Review status: criteria provided, single submitter. Criteria: ACMG Guidelines, 2015. Collection method: clinical testing. Allele origin: germline. Affected: yes.
Comment: ACMG classification criteria: PM2 moderated, PP3 supporting

Labcorp Genetics (formerly Invitae), Labcorp
Classification: Uncertain significance for Autosomal recessive limb-girdle muscular dystrophy type 2Q; Epidermolysis bullosa simplex, Ogna type; Epidermolysis bullosa simplex with nail dystrophy; Epidermolysis bullosa simplex 5C, with pyloric atresia; Epidermolysis bullosa simplex 5B, with muscular dystrophy. Last evaluated: 2019-08-04. Review status: criteria provided, single submitter. Criteria: Invitae Variant Classification Sherloc (09022015). Collection method: clinical testing. Allele origin: germline.
Comment: This sequence change replaces arginine with tryptophan at codon 3294 of the PLEC protein (p.Arg3294Trp). The arginine residue is highly conserved and there is a moderate physicochemical difference between arginine and tryptophan. This variant is not present in population databases (ExAC no frequency). This variant has not been reported in the literature in individuals with PLEC-related conditions. Algorithms developed to predict the effect of missense changes on protein structure and function (SIFT, PolyPhen-2, Align-GVGD) all suggest that this variant is likely to be disruptive, but these predictions have not been confirmed by published functional studies and their clinical significance is uncertain. In summary, the available evidence is currently insufficient to determine the role of this variant in disease. Therefore, it has been classified as a Variant of Uncertain Significance.

NM_201384.3(PLEC):c.9799C>T (p.Arg3267Trp)

Gene: PLEC (plectin; minus strand). Cytogenetic location: 8q24.3.
Variant type: single nucleotide variant.
Coding change: c.9799C>T on transcript NM_201384.3 (MANE Select); coding-DNA position 9799, C replaced by T.
Protein change: p.Arg3267Trp; replaces arginine 3267 with tryptophan.
Molecular consequence: missense variant.
Genome position (GRCh38, 1-based): chr8:143,920,022, G>A on the plus strand (C>T on the coding strand, the complement: PLEC is on the minus strand). VCF-style: chr8-143920022-G-A. GRCh37 (hg19) VCF-style: chr8-144994190-G-A.
Other names: c.9880C>T, p.Arg3294Trp (NM_000445.5); c.9757C>T, p.Arg3253Trp (NM_201378.4); c.9733C>T, p.Arg3245Trp (NM_201379.3); c.10210C>T, p.Arg3404Trp (NM_201380.4); c.9703C>T, p.Arg3235Trp (NM_201381.3); c.9799C>T, p.Arg3267Trp (NM_201382.4); c.9811C>T, p.Arg3271Trp (NM_201383.3); short protein forms R3404W, R3253W, R3267W, R3271W, R3245W, R3294W, R3235W.
Identifiers: ClinVar variation 938107 (VCV000938107.11), dbSNP rs1554680235, ClinGen allele CA372506641.
Genomic context (GRCh38, chr8:143,920,022, plus strand): 5'-TCTTGATGACCTTCTCCACGGTGACCTTGCCCGTGCGGAACTGACGCAACAGCTCCTGCC[G>A]CTGCTCCGCAGTGAAGTACTCAGAGCTGATGAGCTCCCACACCGTCACCGTCCTGCCCTT-3'
Protein context (NP_958786.1, residues 3257-3277): ISSEYFTAEQ[Arg3267Trp]QELLRQFRTG